The following is an entry in ClinVar:

ClinVar aggregate classification (germline): Uncertain significance. Review status: criteria provided, multiple submitters, no conflicts (2 of 4 stars). 2 submissions from 2 submitters: Uncertain significance (2). Last evaluated 2024-05-02.

Conditions:
Inborn genetic diseases. Identifiers: MedGen C0950123, MeSH D030342.
Charcot-Marie-Tooth disease, type I (CMT1). Also called: Charcot-Marie-Tooth disease type 1; Charcot-Marie-Tooth, Type 1. Identifiers: Orphanet 65753, MedGen C0751036, MONDO:0019011.

Submissions (2):

Labcorp Genetics (formerly Invitae), Labcorp
Classification: Uncertain significance for Charcot-Marie-Tooth disease, type I. Last evaluated: 2024-05-02. Review status: criteria provided, single submitter. Criteria: Invitae Variant Classification Sherloc (09022015). Collection method: clinical testing. Allele origin: germline.
Comment: This sequence change replaces lysine, which is basic and polar, with glutamic acid, which is acidic and polar, at codon 108 of the MPZ protein (p.Lys108Glu). This variant is not present in population databases (gnomAD no frequency). This variant has not been reported in the literature in individuals affected with MPZ-related conditions. ClinVar contains an entry for this variant (Variation ID: 1729160). Advanced modeling of protein sequence and biophysical properties (such as structural, functional, and spatial information, amino acid conservation, physicochemical variation, residue mobility, and thermodynamic stability) performed at Invitae indicates that this missense variant is not expected to disrupt MPZ protein function with a negative predictive value of 80%. In summary, the available evidence is currently insufficient to determine the role of this variant in disease. Therefore, it has been classified as a Variant of Uncertain Significance.

Ambry Genetics
Classification: Uncertain significance for Inborn genetic diseases. Last evaluated: 2020-03-18. Review status: criteria provided, single submitter. Criteria: Ambry Variant Classification Scheme 2023. Collection method: clinical testing. Allele origin: germline.
Comment: The p.K108E variant (also known as c.322A>G), located in coding exon 3 of the MPZ gene, results from an A to G substitution at nucleotide position 322. The lysine at codon 108 is replaced by glutamic acid, an amino acid with similar properties. This amino acid position is well conserved in available vertebrate species. In addition, this alteration is predicted to be tolerated by in silico analysis. Since supporting evidence is limited at this time, the clinical significance of this alteration remains unclear.

NM_000530.8(MPZ):c.322A>G (p.Lys108Glu)

Gene: MPZ (myelin protein zero; minus strand). Cytogenetic location: 1q23.3.
Variant type: single nucleotide variant.
Coding change: c.322A>G on transcript NM_000530.8 (MANE Select); coding-DNA position 322, A replaced by G.
Protein change: p.Lys108Glu; replaces lysine 108 with glutamic acid.
Molecular consequence: missense variant.
Genome position (GRCh38, 1-based): chr1:161,306,834, T>C on the plus strand (A>G on the coding strand, the complement: MPZ is on the minus strand). VCF-style: chr1-161306834-T-C. GRCh37 (hg19) VCF-style: chr1-161276624-T-C.
Other names: c.322A>G, p.Lys108Glu (NM_001315491.2); short protein forms K108E.
Identifiers: ClinVar variation 1729160 (VCV001729160.4), dbSNP rs2526238548, ClinGen allele CA343349362.
Genomic context (GRCh38, chr1:161,306,834, plus strand): 5'-CACAAGTGAACGTGCCATTGTCACTGTAGTCTAGGTTGTGTATGACAATGGAGCCATCCT[T>C]CCAGCGAGGGTCCCCTACCCACTGGATGCGCTCTTTGAAGGTCCCCACCTCGTCAATGTA-3'
Protein context (NP_000521.2, residues 98-118): RIQWVGDPRW[Lys108Glu]DGSIVIHNLD